The following is an entry in ClinVar:

NM_000400.4(ERCC2):c.584C>T (p.Ala195Val)

Gene: ERCC2 (ERCC excision repair 2, TFIIH core complex helicase subunit; minus strand). Cytogenetic location: 19q13.32.
Variant type: single nucleotide variant.
Coding change: c.584C>T on transcript NM_000400.4 (MANE Select); coding-DNA position 584, C replaced by T.
Protein change: p.Ala195Val; replaces alanine 195 with valine.
Molecular consequence: missense variant.
Genome position (GRCh38, 1-based): chr19:45,364,848, G>A on the plus strand (C>T on the coding strand, the complement: ERCC2 is on the minus strand). VCF-style: chr19-45364848-G-A. GRCh37 (hg19) VCF-style: chr19-45868106-G-A.
Other names: c.512C>T, p.Ala171Val (NM_001130867.2); short protein forms A195V, A171V.
Identifiers: ClinVar variation 1750066 (VCV001750066.2), dbSNP rs2514033862, ClinGen allele CA406375606.
Genomic context (GRCh38, chr19:45,364,848, plus strand): 5'-AGCCCACACCCTCACACTCGCCCCTCTGCCCATCCCACCAGCCTCCTCACTGAGTATCGA[G>A]CAAGGAAGTATGGGCACCAGCCCTGGCGCCGCCCCAGGGCCTTCAGGTCATCCAGGTTGT-3'
Protein context (NP_000391.1, residues 185-205): RRQGWCPYFL[Ala195Val]RYSILHANVV

ClinVar aggregate classification (germline): Uncertain significance (1 of 4 stars; one submission).

Conditions:
Inborn genetic diseases. Identifiers: MedGen C0950123, MeSH D030342.

Allele frequency attached by ClinVar (database versions not stated): gnomAD exomes below 0.00001.
gnomAD v4.1: 2 of 1,612,658 alleles (0.00012%); highest among the groups gnomAD compares: Non-Finnish European, 0.00017%; no homozygotes.

Submission:

Ambry Genetics
Classification: Uncertain significance for Inborn genetic diseases. Last evaluated: 2022-10-05. Review status: criteria provided, single submitter. Criteria: Ambry Variant Classification Scheme 2023. Collection method: clinical testing. Allele origin: germline.
Comment: The p.A195V variant (also known as c.584C>T), located in coding exon 7 of the ERCC2 gene, results from a C to T substitution at nucleotide position 584. The alanine at codon 195 is replaced by valine, an amino acid with similar properties. This amino acid position is conserved. In addition, the in silico prediction for this alteration is inconclusive. Since supporting evidence is limited at this time, the clinical significance of this alteration remains unclear.